The following is an entry in ClinVar:

ClinVar aggregate classification (germline): Conflicting classifications of pathogenicity. Review status: criteria provided, conflicting classifications (1 of 4 stars). 9 submissions from 9 submitters: Uncertain significance (7); Likely benign (2). Last evaluated 2025-10-18.

Conditions:
PLCE1-related disorder. Also called: PLCE1-related condition.
Nephrotic syndrome, type 3 (NPHS3). Also called: NEPHROTIC SYNDROME, EARLY-ONSET, TYPE 3. Identifiers: Orphanet 656, MedGen C1853124, MONDO:0012546, OMIM 610725.

Allele frequency attached by ClinVar (database versions not stated): 1000 Genomes Project 0.00040; 1000 Genomes Project 30x 0.00047; ESP Exome Variant Server 0.00097; TOPMed 0.00115.
gnomAD v4.1: 2,946 of 1,613,862 alleles (0.18%); highest among the groups gnomAD compares: Non-Finnish European, 0.24%; 2 homozygotes.

Submissions (9):

Labcorp Genetics (formerly Invitae), Labcorp
Classification: Likely benign. Last evaluated: 2025-10-18. Review status: criteria provided, single submitter. Criteria: Invitae Variant Classification Sherloc (09022015). Collection method: clinical testing. Allele origin: germline.

Blueprint Genetics
Classification: Uncertain significance. Last evaluated: 2024-11-22. Review status: criteria provided, single submitter. Criteria: ACMG Guidelines, 2015. Collection method: clinical testing. Allele origin: germline.

PreventionGenetics, part of Exact Sciences
Classification: Likely benign for PLCE1-related condition. Last evaluated: 2024-11-05. Review status: criteria provided, single submitter. Criteria: ACMG Guidelines, 2015. Collection method: clinical testing. Allele origin: germline.
Comment: This variant is classified as likely benign based on ACMG/AMP sequence variant interpretation guidelines (Richards et al. 2015 PMID: 25741868, with internal and published modifications).

GeneDx
Classification: Uncertain significance. Last evaluated: 2024-07-29. Review status: criteria provided, single submitter. Criteria: GeneDx Variant Classification Process June 2021. Collection method: clinical testing. Allele origin: germline. Affected: yes.
Comment: Reported in an individual with steroid resistant nephrotic syndrome in published literature, but it was not clear if this individual had a variant on their other PLCE1 allele (PMID: 28780565); In silico analysis indicates that this missense variant does not alter protein structure/function; This variant is associated with the following publications: (PMID: 28780565, 33230300, 35368817)

Mayo Clinic Laboratories, Mayo Clinic
Classification: Uncertain significance. Last evaluated: 2023-08-08. Review status: criteria provided, single submitter. Criteria: ACMG Guidelines, 2015. Collection method: clinical testing. Allele origin: germline. Observed: 1 variant allele.
Comment: BS1

Athena Diagnostics
Classification: Uncertain significance. Last evaluated: 2020-03-09. Review status: criteria provided, single submitter. Criteria: Athena Diagnostics Criteria. Collection method: clinical testing. Allele origin: unknown.

Baylor Genetics
Classification: Uncertain significance for Nephrotic syndrome, type 3. Last evaluated: 2018-01-24. Review status: criteria provided, single submitter. Criteria: ACMG Guidelines, 2015. Collection method: clinical testing. Allele origin: paternal. Affected: yes.
Comment: This variant was determined to be of uncertain significance according to ACMG Guidelines, 2015 [PMID:25741868].

Illumina Laboratory Services, Illumina
Classification: Uncertain significance for Nephrotic syndrome, type 3. Last evaluated: 2017-04-28. Review status: criteria provided, single submitter. Criteria: ICSL Variant Classification Criteria 13 December 2019. Collection method: clinical testing. Allele origin: germline.

Breakthrough Genomics
Classification: Uncertain significance. Review status: criteria provided, single submitter. Criteria: ACMG Guidelines, 2015. Collection method: not provided. Allele origin: germline. Inheritance: Autosomal recessive inheritance. Affected: yes.

Literature cited by the submitters: PubMed 28780565 (cited by Mayo Clinic Laboratories, Mayo Clinic and Athena Diagnostics); PubMed 35368817 (cited by Mayo Clinic Laboratories, Mayo Clinic).

NM_016341.4(PLCE1):c.2032A>G (p.Met678Val)

Gene: PLCE1 (phospholipase C epsilon 1; plus strand). Cytogenetic location: 10q23.33.
Variant type: single nucleotide variant.
Coding change: c.2032A>G on transcript NM_016341.4 (MANE Select); coding-DNA position 2032, A replaced by G.
Protein change: p.Met678Val; replaces methionine 678 with valine.
Molecular consequence: missense variant.
Genome position (GRCh38, 1-based): chr10:94,234,130, A>G. VCF-style: chr10-94234130-A-G. GRCh37 (hg19) VCF-style: chr10-95993887-A-G.
Other names: p.Met678Val; c.1108A>G, p.Met370Val (NM_001165979.2); c.2032A>G, p.Met678Val (NM_001288989.2); short protein forms M370V, M678V.
Identifiers: ClinVar variation 880502 (VCV000880502.16), dbSNP rs201422605, ClinGen allele CA5612545.